The following is an entry in ClinVar:

ClinVar aggregate classification (germline): Likely pathogenic. Review status: criteria provided, multiple submitters, no conflicts (2 of 4 stars). 2 submissions from 2 submitters: Likely pathogenic (2). Last evaluated 2025-06-17.

Conditions:
Dilated cardiomyopathy 1G (CMD1G). Identifiers: Orphanet 154, MedGen C1858763, MONDO:0011400, OMIM 604145.
Autosomal recessive limb-girdle muscular dystrophy type 2J (LGMDR10). Also called: Limb-girdle muscular dystrophy, type 2J; MUSCULAR DYSTROPHY, LIMB-GIRDLE, AUTOSOMAL RECESSIVE 10. Identifiers: Orphanet 140922, MedGen C1837342, MONDO:0012127, OMIM 608807.
Cardiovascular phenotype. Identifiers: MedGen CN230736.

gnomAD v4.1: 2 of 1,613,872 alleles (0.00012%); highest among the groups gnomAD compares: Non-Finnish European, 0.00017%; no homozygotes.

Submissions (2):

Labcorp Genetics (formerly Invitae), Labcorp
Classification: Likely pathogenic for Dilated cardiomyopathy 1G; Autosomal recessive limb-girdle muscular dystrophy type 2J. Last evaluated: 2025-06-17. Review status: criteria provided, single submitter. Criteria: Invitae Variant Classification Sherloc (09022015). Collection method: clinical testing. Allele origin: germline.
Comment: This sequence change creates a premature translational stop signal (p.Lys697*) in the TTN gene. While this is not anticipated to result in nonsense mediated decay, it is expected to create a truncated TTN protein. This variant is not present in population databases (gnomAD no frequency). This premature translational stop signal has been observed in individual(s) with autosomal recessive TTN-related conditions (PMID: 38430701). ClinVar contains an entry for this variant (Variation ID: 518936). This variant is located in the Z band of TTN (PMID: 25589632). Truncating variants in this region have been reported in individuals affected with autosomal recessive centronuclear myopathy (PMID: 33449170, internal data). Truncating variants in this region have also been identified in individuals affected with autosomal dominant dilated cardiomyopathy and/or cardio-related conditions (PMID: 27869827, 32964742, internal data). In summary, the currently available evidence indicates that the variant is pathogenic, but additional data are needed to prove that conclusively. Therefore, this variant has been classified as Likely Pathogenic.

Ambry Genetics
Classification: Likely pathogenic for Cardiovascular phenotype. Last evaluated: 2025-02-25. Review status: criteria provided, single submitter. Criteria: Ambry Variant Classification Scheme 2023. Collection method: clinical testing. Allele origin: germline.
Comment: The p.K651* variant (also known as c.1951A>T), located in coding exon 12 of the TTN gene, results from an A to T substitution at nucleotide position 1951. This changes the amino acid from a lysine to a stop codon within coding exon 12. This exon is located in the Z-disk region of the N2-B isoform of the titin protein and is constitutively expressed in TTN transcripts (percent spliced in or PSI 100%). This variant was reported in individual(s) with features consistent with dilated cardiomyopathy (Ambry internal data). This variant is considered to be rare based on population cohorts in the Genome Aggregation Database (gnomAD). This variant is expected to result in loss of function by premature protein truncation or nonsense-mediated mRNA decay. While truncating variants in TTN are present in 1-3% of the general population, truncating variants in the A-band are the most common cause of DCM (Herman DS et al. N. Engl. J. Med., 2012 Feb;366:619-28; Roberts AM et al. Sci Transl Med, 2015 Jan;7:270ra6). TTN truncating variants encoded in constitutive exons (PSI >90%) have been found to be significantly associated with DCM regardless of their position in titin (Schafer S et al. Nat. Genet., 2017 01;49:46-53; Akhtar MM et al. Circ Heart Fail, 2020 Oct;13:e006832; Massier M et al. Clin Genet, 2025 Jan). Based on the majority of available evidence to date, this variant is likely to be pathogenic.

Literature cited by the submitters: PubMed 38430701 (cited by Labcorp Genetics (formerly Invitae), Labcorp); PubMed 25589632 (cited by Labcorp Genetics (formerly Invitae), Labcorp); PubMed 33449170 (cited by Labcorp Genetics (formerly Invitae), Labcorp); PubMed 27869827 (cited by Labcorp Genetics (formerly Invitae), Labcorp); PubMed 32964742 (cited by Labcorp Genetics (formerly Invitae), Labcorp).

NM_001267550.2(TTN):c.2089A>T (p.Lys697Ter)

Gene: TTN (titin; minus strand). Cytogenetic location: 2q31.2.
Variant type: single nucleotide variant.
Coding change: c.2089A>T on transcript NM_001267550.2 (MANE Select); coding-DNA position 2089, A replaced by T.
Protein change: p.Lys697Ter; replaces lysine 697 with a stop codon.
Molecular consequence: nonsense.
Genome position (GRCh38, 1-based): chr2:178,786,129, T>A on the plus strand (A>T on the coding strand, the complement: TTN is on the minus strand). VCF-style: chr2-178786129-T-A. GRCh37 (hg19) VCF-style: chr2-179650856-T-A.
Other names: c.1951A>T, p.Lys651Ter (NM_003319.4, NM_133432.3, NM_133437.4); c.2089A>T, p.Lys697Ter (NM_001256850.1, NM_133378.4, NM_133379.5); short protein forms K651*, K697*.
Identifiers: ClinVar variation 518936 (VCV000518936.7), dbSNP rs1554023044, ClinGen allele CA349502198.